The following is an entry in ClinVar:

NM_000081.4(LYST):c.6577G>C (p.Gly2193Arg)

Gene: LYST (lysosomal trafficking regulator; minus strand). Cytogenetic location: 1q42.3.
Variant type: single nucleotide variant.
Coding change: c.6577G>C on transcript NM_000081.4 (MANE Select); coding-DNA position 6577, G replaced by C.
Protein change: p.Gly2193Arg; replaces glycine 2193 with arginine.
Molecular consequence: missense variant.
Genome position (GRCh38, 1-based): chr1:235,759,276, C>G on the plus strand (G>C on the coding strand, the complement: LYST is on the minus strand). VCF-style: chr1-235759276-C-G. GRCh37 (hg19) VCF-style: chr1-235922576-C-G.
Other names: c.6577G>C, p.Gly2193Arg (NM_001301365.1); short protein forms G2193R.
Identifiers: ClinVar variation 1009867 (VCV001009867.5), dbSNP rs1434479200, ClinGen allele CA344940744.

ClinVar aggregate classification (germline): Uncertain significance (1 of 4 stars; one submission).

Conditions:
Chédiak-Higashi syndrome (CHS). Also called: Chediak-Higashi Syndrome. Identifiers: Orphanet 167, MedGen C0007965, MONDO:0008963, OMIM 214500.

Allele frequency attached by ClinVar (database versions not stated): gnomAD exomes below 0.00001.
gnomAD v4.1: 1 of 1,614,180 alleles (0.000062%); highest among the groups gnomAD compares: Non-Finnish European, 0.000085%; no homozygotes.

Submission:

Labcorp Genetics (formerly Invitae), Labcorp
Classification: Uncertain significance for Chédiak-Higashi syndrome. Last evaluated: 2022-09-07. Review status: criteria provided, single submitter. Criteria: Invitae Variant Classification Sherloc (09022015). Collection method: clinical testing. Allele origin: germline.
Comment: In summary, the available evidence is currently insufficient to determine the role of this variant in disease. Therefore, it has been classified as a Variant of Uncertain Significance. Algorithms developed to predict the effect of missense changes on protein structure and function are either unavailable or do not agree on the potential impact of this missense change (SIFT: "Tolerated"; PolyPhen-2: "Possibly Damaging"; Align-GVGD: "Class C0"). ClinVar contains an entry for this variant (Variation ID: 1009867). This variant has not been reported in the literature in individuals affected with LYST-related conditions. This variant is not present in population databases (gnomAD no frequency). This sequence change replaces glycine, which is neutral and non-polar, with arginine, which is basic and polar, at codon 2193 of the LYST protein (p.Gly2193Arg).